The following is an entry in ClinVar:

NC_000016.9:g.(?_81116471)_(81991603_?)dup

Genes: BCO1 (beta-carotene oxygenase 1; plus strand), CMIP (c-Maf inducing protein; plus strand), GAN (gigaxonin; plus strand), GCSH (glycine cleavage system protein H; minus strand), PKD1L2 (polycystin 1 like 2 (gene/pseudogene); minus strand) and 1 more. Cytogenetic location: 16q23.2-23.3.
Variant type: Duplication.
Identifiers: ClinVar variation 3243510 (VCV003243510.1).

ClinVar aggregate classification (germline): Uncertain significance (1 of 4 stars; one submission).

Conditions:
Familial cold autoinflammatory syndrome 3 (FCAS3). Also called: FAMILIAL ATYPICAL COLD URTICARIA; ANTIBODY DEFICIENCY AND IMMUNE DYSREGULATION, PLCG2-ASSOCIATED. Identifiers: Orphanet 300359, MedGen C3280914, MONDO:0013766, OMIM 614468.

Submission:

Labcorp Genetics (formerly Invitae), Labcorp
Classification: Uncertain significance for Familial cold autoinflammatory syndrome 3. Last evaluated: 2023-12-07. Review status: criteria provided, single submitter. Criteria: Invitae Variant Classification Sherloc (09022015). Collection method: clinical testing. Allele origin: unknown.
Comment: A copy number gain of the genomic region encompassing the full coding sequence of the PLCG2 gene has been identified. The boundaries of this event are unknown as they extend beyond the assayed region for this gene and therefore may encompass additional genes. As the precise location of this event is unknown, it may be in tandem or it may be located elsewhere in the genome. This variant has not been reported in the literature in individuals affected with PLCG2-related conditions. Experimental studies and prediction algorithms are not available or were not evaluated, and the functional significance of this variant is currently unknown. In summary, the available evidence is currently insufficient to determine the role of this variant in disease. Therefore, it has been classified as a Variant of Uncertain Significance.